The following is an entry in ClinVar:

NM_014639.4(SKIC3):c.887C>T (p.Thr296Ile)

Gene: SKIC3 (SKI3 subunit of superkiller complex; minus strand). Cytogenetic location: 5q15.
Variant type: single nucleotide variant.
Coding change: c.887C>T on transcript NM_014639.4 (MANE Select); coding-DNA position 887, C replaced by T.
Protein change: p.Thr296Ile; replaces threonine 296 with isoleucine.
Molecular consequence: missense variant.
Genome position (GRCh38, 1-based): chr5:95,530,094, G>A on the plus strand (C>T on the coding strand, the complement: SKIC3 is on the minus strand). VCF-style: chr5-95530094-G-A. GRCh37 (hg19) VCF-style: chr5-94865798-G-A.
Other names: c.887C>T (NM_014639.3); short protein forms T296I.
Identifiers: ClinVar variation 1425150 (VCV001425150.6), dbSNP rs375352830, ClinGen allele CA122866101.

ClinVar aggregate classification (germline): Uncertain significance. Review status: criteria provided, multiple submitters, no conflicts (2 of 4 stars). 2 submissions from 2 submitters: Uncertain significance (2). Last evaluated 2025-02-14.

Conditions:
Inborn genetic diseases. Identifiers: MedGen C0950123, MeSH D030342.

gnomAD v4.1: 89 of 1,612,848 alleles (0.0055%); highest among the groups gnomAD compares: Non-Finnish European, 0.0072%; no homozygotes.

Submissions (2):

Ambry Genetics
Classification: Uncertain significance for Inborn genetic diseases. Last evaluated: 2025-02-14. Review status: criteria provided, single submitter. Criteria: Ambry Variant Classification Scheme 2023. Collection method: clinical testing. Allele origin: germline.

Labcorp Genetics (formerly Invitae), Labcorp
Classification: Uncertain significance. Last evaluated: 2022-01-07. Review status: criteria provided, single submitter. Criteria: Invitae Variant Classification Sherloc (09022015). Collection method: clinical testing. Allele origin: germline.
Comment: This sequence change replaces threonine, which is neutral and polar, with isoleucine, which is neutral and non-polar, at codon 296 of the TTC37 protein (p.Thr296Ile). This variant is present in population databases (no rsID available, gnomAD 0.006%). This variant has not been reported in the literature in individuals affected with TTC37-related conditions. Algorithms developed to predict the effect of missense changes on protein structure and function (SIFT, PolyPhen-2, Align-GVGD) all suggest that this variant is likely to be tolerated. In summary, the available evidence is currently insufficient to determine the role of this variant in disease. Therefore, it has been classified as a Variant of Uncertain Significance.